The following is an entry in ClinVar:

ClinVar aggregate classification (germline): Likely pathogenic (1 of 4 stars; one submission).

Conditions:
Legius syndrome. Identifiers: Orphanet 137605, MedGen C1969623, MONDO:0012669, OMIM 611431. Disease mechanism: loss of function.

Submission:

Labcorp Genetics (formerly Invitae), Labcorp
Classification: Likely pathogenic for Legius syndrome. Last evaluated: 2025-10-05. Review status: criteria provided, single submitter. Criteria: Invitae Variant Classification Sherloc (09022015). Collection method: clinical testing. Allele origin: germline.
Comment: This sequence change creates a premature translational stop signal (p.Phe400Valfs*32) in the SPRED1 gene. While this is not anticipated to result in nonsense mediated decay, it is expected to disrupt the last 45 amino acid(s) of the SPRED1 protein. This variant is not present in population databases (gnomAD no frequency). This premature translational stop signal has been observed in individuals with neurofibromatosis type 1-like syndrome (NFLS) (PMID: 19920235). ClinVar contains an entry for this variant (Variation ID: 468790). In summary, the currently available evidence indicates that the variant is pathogenic, but additional data are needed to prove that conclusively. Therefore, this variant has been classified as Likely Pathogenic.

Literature cited by the submitters: PubMed 19920235.

NM_152594.3(SPRED1):c.1196dup (p.Phe400fs)

Gene: SPRED1 (sprouty related EVH1 domain containing 1; plus strand). Cytogenetic location: 15q14.
Variant type: Duplication.
Coding change: c.1196dup on transcript NM_152594.3 (MANE Select); coding-DNA position 1196, one base duplicated (A; older notation c.1196dupA).
Protein change: p.Phe400fs; shifts the reading frame from phenylalanine 400.
Molecular consequence: frameshift variant.
Genome position (GRCh38, 1-based): chr15:38,351,525, A duplicated; the last of 2 consecutive A bases (chr15:38,351,524-38,351,525); duplicating either gives the same sequence. VCF-style (leftmost placement, unchanged base first): chr15-38351523-C-CA. GRCh37 (hg19) VCF-style: chr15-38643724-C-CA.
Other names: c.1196dupA (NM_152594.2); short protein forms F400fs.
Identifiers: ClinVar variation 468790 (VCV000468790.9), dbSNP rs1555392791, ClinGen allele CA658658279.
Genomic context (GRCh38, chr15:38,351,523, plus strand): 5'-TTGTATGTCAGACTCAGAGGGAGATTTTTCTGATCCCTGTTCGTGTGACACTAGCGACGA[C>CA]AAGTTCTGCTTGCGATGGTTAGCCCTGGTAGCTTTGTCTTTCATTGTACCATGTATGTGC-3'